The following is an entry in ClinVar:

NM_170682.4(P2RX2):c.56G>A (p.Arg19Gln)

Gene: P2RX2 (purinergic receptor P2X 2; plus strand). Cytogenetic location: 12q24.33.
Variant type: single nucleotide variant.
Coding change: c.56G>A on transcript NM_170682.4 (MANE Select); coding-DNA position 56, G replaced by A.
Protein change: p.Arg19Gln; replaces arginine 19 with glutamine.
Molecular consequence: missense variant.
Genome position (GRCh38, 1-based): chr12:132,618,872, G>A. VCF-style: chr12-132618872-G-A. GRCh37 (hg19) VCF-style: chr12-133195458-G-A.
Other names: c.56G>A, p.Arg19Gln (NM_001282164.2, NM_001282165.2, NM_012226.5 and 4 more transcripts); c.56G>A (NM_170683.2); short protein forms R19Q.
Identifiers: ClinVar variation 1195462 (VCV001195462.6), dbSNP rs369473481, ClinGen allele CA6891314.

ClinVar aggregate classification (germline): Conflicting classifications of pathogenicity. Review status: criteria provided, conflicting classifications (1 of 4 stars). 3 submissions from 3 submitters: Uncertain significance (2); Likely benign (1). Last evaluated 2025-12-10.

Conditions:
P2RX2-related disorder. Also called: P2RX2-related condition.

Allele frequency attached by ClinVar (database versions not stated): TOPMed 0.00001; ExAC 0.00002; gnomAD exomes 0.00002; gnomAD 0.00004 and 0.00005; ESP Exome Variant Server 0.00008.
gnomAD v4.1: 52 of 1,374,504 alleles (0.0038%); highest among the groups gnomAD compares: Non-Finnish European, 0.0045%; no homozygotes.

Submissions (3):

PreventionGenetics, part of Exact Sciences
Classification: Uncertain significance for P2RX2-related condition. Last evaluated: 2025-12-10. Review status: criteria provided, single submitter. Criteria: ACMG Guidelines, 2015. Collection method: clinical testing. Allele origin: germline.
Comment: The P2RX2 c.56G>A variant is predicted to result in the amino acid substitution p.Arg19Gln. To our knowledge, this variant has not been reported in the literature. This variant is reported in 0.0060% of alleles in individuals of African descent in gnomAD. At this time, the clinical significance of this variant is uncertain due to the absence of conclusive functional and genetic evidence.

Ambry Genetics
Classification: Uncertain significance. Last evaluated: 2021-11-15. Review status: criteria provided, single submitter. Criteria: Ambry Variant Classification Scheme 2023. Collection method: clinical testing. Allele origin: germline.

GeneDx
Classification: Likely benign. Last evaluated: 2019-08-05. Review status: criteria provided, single submitter. Criteria: GeneDx Variant Classification Process June 2021. Collection method: clinical testing. Allele origin: germline. Affected: yes.
Comment: In silico analysis, which includes protein predictors and evolutionary conservation, supports that this variant does not alter protein structure/function; Has not been previously published as pathogenic or benign to our knowledge; This variant is associated with the following publications: (PMID: 27766948)